The following is an entry in ClinVar:

ClinVar aggregate classification (germline): Uncertain significance (1 of 4 stars; one submission).

Submission:

Labcorp Genetics (formerly Invitae), Labcorp
Classification: Uncertain significance. Last evaluated: 2024-06-24. Review status: criteria provided, single submitter. Criteria: Invitae Variant Classification Sherloc (09022015). Collection method: clinical testing. Allele origin: germline.
Comment: This sequence change replaces arginine, which is basic and polar, with proline, which is neutral and non-polar, at codon 449 of the NYX protein (p.Arg449Pro). This variant is not present in population databases (gnomAD no frequency). This variant has not been reported in the literature in individuals affected with NYX-related conditions. An algorithm developed to predict the effect of missense changes on protein structure and function (PolyPhen-2) suggests that this variant is likely to be tolerated. In summary, the available evidence is currently insufficient to determine the role of this variant in disease. Therefore, it has been classified as a Variant of Uncertain Significance.

NM_001378477.3(NYX):c.1331G>C (p.Arg444Pro)

Gene: NYX (nyctalopin; plus strand). Cytogenetic location: Xp11.4.
Variant type: single nucleotide variant.
Coding change: c.1331G>C on transcript NM_001378477.3 (MANE Select); coding-DNA position 1331, G replaced by C.
Protein change: p.Arg444Pro; replaces arginine 444 with proline.
Molecular consequence: missense variant.
Genome position (GRCh38, 1-based): chrX:41,474,799, G>C. VCF-style: chrX-41474799-G-C. GRCh37 (hg19) VCF-style: chrX-41334052-G-C.
Other names: c.1331G>C, p.Arg444Pro (NM_022567.3); short protein forms R444P.
Identifiers: ClinVar variation 3610126 (VCV003610126.2).
Genomic context (GRCh38, chrX:41,474,799, plus strand): 5'-AGGCGGCCAACACCACTGGGGGGCTGGCCAACGCCTCCCTGTCCGACAGCCTCTCCTCCC[G>C]TGGGGTGGGAGGCGCGGGCCGGCAGCCCTGGTTTCTCCTCGCCTCTTGTCTCCTGCCCAG-3'
Protein context (NP_001365406.2, residues 434-454): NASLSDSLSS[Arg444Pro]GVGGAGRQPW